The following is an entry in ClinVar:

ClinVar aggregate classification (germline): Uncertain significance (1 of 4 stars; one submission).

Allele frequency attached by ClinVar (database versions not stated): gnomAD exomes 0.00002; TOPMed 0.00002; gnomAD 0.00003; ExAC 0.00007.
gnomAD v4.1: 39 of 1,613,956 alleles (0.0024%); highest among the groups gnomAD compares: Middle Eastern, 0.016%; no homozygotes.

Submission:

Labcorp Genetics (formerly Invitae), Labcorp
Classification: Uncertain significance. Last evaluated: 2026-01-06. Review status: criteria provided, single submitter. Criteria: Invitae Variant Classification Sherloc (09022015). Collection method: clinical testing. Allele origin: germline.
Comment: This sequence change replaces arginine, which is basic and polar, with tryptophan, which is neutral and slightly polar, at codon 3629 of the HMCN1 protein (p.Arg3629Trp). This variant is present in population databases (rs772638174, gnomAD 0.008%). This variant has not been reported in the literature in individuals affected with HMCN1-related conditions. ClinVar contains an entry for this variant (Variation ID: 1915771). An algorithm developed to predict the effect of missense changes on protein structure and function (PolyPhen-2) suggests that this variant is likely to be disruptive. In summary, the available evidence is currently insufficient to determine the role of this variant in disease. Therefore, it has been classified as a Variant of Uncertain Significance.

NM_031935.3(HMCN1):c.10885C>T (p.Arg3629Trp)

Gene: HMCN1 (hemicentin 1; plus strand). Cytogenetic location: 1q31.1.
Variant type: single nucleotide variant.
Coding change: c.10885C>T on transcript NM_031935.3 (MANE Select); coding-DNA position 10885, C replaced by T.
Protein change: p.Arg3629Trp; replaces arginine 3629 with tryptophan.
Molecular consequence: missense variant.
Genome position (GRCh38, 1-based): chr1:186,108,493, C>T. VCF-style: chr1-186108493-C-T. GRCh37 (hg19) VCF-style: chr1-186077625-C-T.
Other names: short protein forms R3629W.
Identifiers: ClinVar variation 1915771 (VCV001915771.5), dbSNP rs772638174, ClinGen allele CA1293851.